The following is an entry in ClinVar:

NM_032119.4(ADGRV1):c.14044G>A (p.Val4682Ile)

Gene: ADGRV1 (adhesion G protein-coupled receptor V1; plus strand). Cytogenetic location: 5q14.3.
Variant type: single nucleotide variant.
Coding change: c.14044G>A on transcript NM_032119.4 (MANE Select); coding-DNA position 14044, G replaced by A.
Protein change: p.Val4682Ile; replaces valine 4682 with isoleucine.
Molecular consequence: missense variant. On other transcripts: non-coding transcript variant (1).
Genome position (GRCh38, 1-based): chr5:90,790,873, G>A. VCF-style: chr5-90790873-G-A. GRCh37 (hg19) VCF-style: chr5-90086690-G-A.
Other names: short protein forms V4682I.
Identifiers: ClinVar variation 1047229 (VCV001047229.9), dbSNP rs564063496, ClinGen allele CA122811195.

ClinVar aggregate classification (germline): Uncertain significance (1 of 4 stars; one submission).

Allele frequency attached by ClinVar (database versions not stated): gnomAD exomes below 0.00001; gnomAD 0.00001; TOPMed 0.00001; 1000 Genomes Project 30x 0.00016; 1000 Genomes Project 0.00020.
gnomAD v4.1: 3 of 1,585,818 alleles (0.00019%); highest among the groups gnomAD compares: East Asian, 0.0045%; no homozygotes.

Submission:

Labcorp Genetics (formerly Invitae), Labcorp
Classification: Uncertain significance. Last evaluated: 2024-05-22. Review status: criteria provided, single submitter. Criteria: Invitae Variant Classification Sherloc (09022015). Collection method: clinical testing. Allele origin: germline.
Comment: This sequence change replaces valine, which is neutral and non-polar, with isoleucine, which is neutral and non-polar, at codon 4682 of the ADGRV1 protein (p.Val4682Ile). This variant is not present in population databases (gnomAD no frequency). This variant has not been reported in the literature in individuals affected with ADGRV1-related conditions. ClinVar contains an entry for this variant (Variation ID: 1047229). Algorithms developed to predict the effect of missense changes on protein structure and function output the following: SIFT: "Not Available"; PolyPhen-2: "Benign"; Align-GVGD: "Not Available". The isoleucine amino acid residue is found in multiple mammalian species, which suggests that this missense change does not adversely affect protein function. In summary, the available evidence is currently insufficient to determine the role of this variant in disease. Therefore, it has been classified as a Variant of Uncertain Significance.